The following is an entry in ClinVar:

ClinVar aggregate classification (germline): Uncertain significance. Review status: criteria provided, multiple submitters, no conflicts (2 of 4 stars). 2 submissions from 2 submitters: Uncertain significance (2). Last evaluated 2025-04-27.

Conditions:
Cardiovascular phenotype. Identifiers: MedGen CN230736.
Familial hypercholesterolemia. Also called: Familial hypercholesterolaemia. Identifiers: MedGen C0020445, MONDO:0005439.

Allele frequency attached by ClinVar (database versions not stated): gnomAD exomes below 0.00001; TOPMed below 0.00001; ExAC 0.00001.

Submissions (2):

Color Diagnostics, LLC DBA Color Health
Classification: Uncertain significance for Familial hypercholesterolemia. Last evaluated: 2025-04-27. Review status: criteria provided, single submitter. Criteria: ACMG Guidelines, 2015. Collection method: clinical testing. Allele origin: germline.
Comment: This missense variant replaces threonine with isoleucine at codon 77 of the PCSK9 protein. Computational prediction suggests that this variant may not impact protein structure and function. To our knowledge, functional studies have not been reported for this variant. This variant has been reported in an individual with hypocholesterolemia (PMID: 17170371). This variant has been identified in 1/250824 chromosomes in the general population by the Genome Aggregation Database (gnomAD). The available evidence is insufficient to determine the role of this variant in disease conclusively. Therefore, this variant is classified as a Variant of Uncertain Significance.

Ambry Genetics
Classification: Uncertain significance for Cardiovascular phenotype. Last evaluated: 2022-07-05. Review status: criteria provided, single submitter. Criteria: Ambry Variant Classification Scheme 2023. Collection method: clinical testing. Allele origin: germline.
Comment: The p.T77I variant (also known as c.230C>T), located in coding exon 2 of the PCSK9 gene, results from a C to T substitution at nucleotide position 230. The threonine at codon 77 is replaced by isoleucine, an amino acid with similar properties. This alteration has been reported in a hypocholesterolemic cohort (Fasano T et al. Arterioscler Thromb Vasc Biol, 2007 Mar;27:677-81). This amino acid position is not well conserved in available vertebrate species. In addition, this alteration is predicted to be tolerated by in silico analysis. Since supporting evidence is limited at this time, the clinical significance of this alteration remains unclear.

Literature cited by the submitters: PubMed 17170371 (cited by Color Diagnostics, LLC DBA Color Health and Ambry Genetics).

NM_174936.4(PCSK9):c.230C>T (p.Thr77Ile)

Gene: PCSK9 (proprotein convertase subtilisin/kexin type 9; plus strand). Cytogenetic location: 1p32.3.
Variant type: single nucleotide variant.
Coding change: c.230C>T on transcript NM_174936.4 (MANE Select); coding-DNA position 230, C replaced by T.
Protein change: p.Thr77Ile; replaces threonine 77 with isoleucine.
Molecular consequence: missense variant.
Genome position (GRCh38, 1-based): chr1:55,043,865, C>T. VCF-style: chr1-55043865-C-T. GRCh37 (hg19) VCF-style: chr1-55509538-C-T.
Other names: c.353C>T, p.Thr118Ile (NM_001407240.1); c.230C>T, p.Thr77Ile (NM_001407241.1, NM_001407242.1, NM_001407243.1 and 2 more transcripts); c.-146C>T (NM_001407246.1); short protein forms T118I, T77I.
Identifiers: ClinVar variation 1789412 (VCV001789412.3), dbSNP rs756060557, ClinGen allele CA040921.